The following is an entry in ClinVar:

NM_006231.4(POLE):c.3225T>A (p.Ser1075Arg)

Gene: POLE (DNA polymerase epsilon, catalytic subunit; minus strand). Cytogenetic location: 12q24.33.
Variant type: single nucleotide variant.
Coding change: c.3225T>A on transcript NM_006231.4 (MANE Select); coding-DNA position 3225, T replaced by A.
Protein change: p.Ser1075Arg; replaces serine 1075 with arginine.
Molecular consequence: missense variant.
Genome position (GRCh38, 1-based): chr12:132,659,345, A>T on the plus strand (T>A on the coding strand, the complement: POLE is on the minus strand). VCF-style: chr12-132659345-A-T. GRCh37 (hg19) VCF-style: chr12-133235931-A-T.
Other names: short protein forms S1075R.
Identifiers: ClinVar variation 2859069 (VCV002859069.3), dbSNP rs2138675219, ClinGen allele CA387390464.

ClinVar aggregate classification (germline): Uncertain significance (1 of 4 stars; one submission).

Submission:

Labcorp Genetics (formerly Invitae), Labcorp
Classification: Uncertain significance. Last evaluated: 2023-04-25. Review status: criteria provided, single submitter. Criteria: Invitae Variant Classification Sherloc (09022015). Collection method: clinical testing. Allele origin: germline.
Comment: In summary, the available evidence is currently insufficient to determine the role of this variant in disease. Therefore, it has been classified as a Variant of Uncertain Significance. Advanced modeling of protein sequence and biophysical properties (such as structural, functional, and spatial information, amino acid conservation, physicochemical variation, residue mobility, and thermodynamic stability) performed at Invitae indicates that this missense variant is not expected to disrupt POLE protein function. This variant has not been reported in the literature in individuals affected with POLE-related conditions. This variant is not present in population databases (gnomAD no frequency). This sequence change replaces serine, which is neutral and polar, with arginine, which is basic and polar, at codon 1075 of the POLE protein (p.Ser1075Arg).